The following is an entry in ClinVar:

NM_018076.5(ODAD2):c.1237_1238delinsGA (p.Arg413Glu)

Gene: ODAD2 (outer dynein arm docking complex subunit 2; minus strand). Cytogenetic location: 10p12.1.
Variant type: Indel.
Coding change: c.1237_1238delinsGA on transcript NM_018076.5 (MANE Select); coding-DNA positions 1237 to 1238, CG replaced by GA.
Protein change: p.Arg413Glu; replaces arginine 413 with glutamic acid.
Molecular consequence: missense variant. On other transcripts: intron variant (1).
Genome position (GRCh38, 1-based): chr10:27,968,923-27,968,924, CG replaced by TC on the plus strand (CG replaced by GA on the coding strand, the reverse complement: ODAD2 is on the minus strand). VCF-style: chr10-27968923-CG-TC. GRCh37 (hg19) VCF-style: chr10-28257852-CG-TC.
Other names: c.1237_1238delinsGA, p.Arg413Glu (NM_001290020.2); c.313_314delinsGA, p.Arg105Glu (NM_001312689.2); c.-187-7209_-187-7208delinsGA (NM_001290021.2); short protein forms R105E, R413E.
Identifiers: ClinVar variation 1799676 (VCV001799676.3), dbSNP rs2494100802, ClinGen allele CA2580081438.

ClinVar aggregate classification (germline): Uncertain significance (1 of 4 stars; one submission).

Conditions:
Primary ciliary dyskinesia. Also called: Ciliary dyskinesia. Identifiers: Orphanet 244, MedGen C0008780, MONDO:0016575, HP:0012265.

Submission:

Ambry Genetics
Classification: Uncertain significance for Primary ciliary dyskinesia. Last evaluated: 2026-08-21. Review status: criteria provided, single submitter. Criteria: Ambry Variant Classification Scheme 2023. Collection method: clinical testing. Allele origin: germline.
Comment: The c.1237_1238delCGinsGA variant, located in coding exon 8 of the ARMC4 gene, results from an in-frame deletion of CG and insertion of GA at nucleotide positions 1237 to 1238. This change occurs in the last two base pairs of coding exon 8, which makes it likely to have some effect on normal mRNA splicing. This results in the substitution of the arginine residue for a glutamic acid residue at codon 413, an amino acid with similar properties. This nucleotide region is well conserved in available vertebrate species. This amino acid position is well conserved in available vertebrate species. In silico splice site analysis predicts that this alteration will weaken the native splice donor site. In addition, this variant is predicted to be neutral by in silico analysis (Choi Y et al. PLoS ONE. 2012; 7(10):e46688). Based on the available evidence, the clinical significance of this variant remains unclear.